The following is an entry in ClinVar:

NM_177438.3(DICER1):c.361G>A (p.Val121Ile)

Gene: DICER1 (dicer 1, ribonuclease III; minus strand). Cytogenetic location: 14q32.13.
Variant type: single nucleotide variant.
Coding change: c.361G>A on transcript NM_177438.3 (MANE Select); coding-DNA position 361, G replaced by A.
Protein change: p.Val121Ile; replaces valine 121 with isoleucine.
Molecular consequence: missense variant.
Genome position (GRCh38, 1-based): chr14:95,131,586, C>T on the plus strand (G>A on the coding strand, the complement: DICER1 is on the minus strand). VCF-style: chr14-95131586-C-T. GRCh37 (hg19) VCF-style: chr14-95597923-C-T.
Other names: c.361G>A, p.Val121Ile (NM_001195573.1, NM_001271282.3, NM_001291628.2 and 1 more transcripts); short protein forms V121I.
Identifiers: ClinVar variation 1008709 (VCV001008709.12), dbSNP rs1893955100, ClinGen allele CA390889181.

ClinVar aggregate classification (germline): Uncertain significance. Review status: criteria provided, multiple submitters, no conflicts (2 of 4 stars). 2 submissions from 2 submitters: Uncertain significance (2). Last evaluated 2023-03-23.

Conditions:
Hereditary cancer-predisposing syndrome. Also called: Hereditary neoplastic syndrome; Neoplastic Syndromes, Hereditary; Tumor predisposition; Hereditary Cancer Syndrome. Identifiers: Orphanet 140162, MedGen C0027672, MeSH D009386, MONDO:0015356.
DICER1-related tumor predisposition. Also called: DICER1 syndrome; DICER1-related pleuropulmonary blastoma cancer predisposition syndrome. Identifiers: Orphanet 284343, MedGen C3839822, MONDO:0100216.

Submissions (2):

Ambry Genetics
Classification: Uncertain significance for Hereditary cancer-predisposing syndrome. Last evaluated: 2023-03-23. Review status: criteria provided, single submitter. Criteria: Ambry Variant Classification Scheme 2023. Collection method: clinical testing. Allele origin: germline.
Comment: The p.V121I variant (also known as c.361G>A), located in coding exon 3 of the DICER1 gene, results from a G to A substitution at nucleotide position 361. The valine at codon 121 is replaced by isoleucine, an amino acid with highly similar properties. This amino acid position is highly conserved in available vertebrate species. In addition, this alteration is predicted to be tolerated by in silico analysis. Since supporting evidence is limited at this time, the clinical significance of this alteration remains unclear.

Labcorp Genetics (formerly Invitae), Labcorp
Classification: Uncertain significance for DICER1-related tumor predisposition. Last evaluated: 2023-02-10. Review status: criteria provided, single submitter. Criteria: Invitae Variant Classification Sherloc (09022015). Collection method: clinical testing. Allele origin: germline.
Comment: This sequence change replaces valine, which is neutral and non-polar, with isoleucine, which is neutral and non-polar, at codon 121 of the DICER1 protein (p.Val121Ile). This variant is not present in population databases (gnomAD no frequency). This variant has not been reported in the literature in individuals affected with DICER1-related conditions. ClinVar contains an entry for this variant (Variation ID: 1008709). Advanced modeling of protein sequence and biophysical properties (such as structural, functional, and spatial information, amino acid conservation, physicochemical variation, residue mobility, and thermodynamic stability) performed at Invitae indicates that this missense variant is not expected to disrupt DICER1 protein function. In summary, the available evidence is currently insufficient to determine the role of this variant in disease. Therefore, it has been classified as a Variant of Uncertain Significance.